The following is an entry in ClinVar:

NM_001195263.2(PDZD7):c.176G>A (p.Arg59Gln)

Gene: PDZD7 (PDZ domain containing 7; minus strand). Cytogenetic location: 10q24.31.
Variant type: single nucleotide variant.
Coding change: c.176G>A on transcript NM_001195263.2 (MANE Select); coding-DNA position 176, G replaced by A.
Protein change: p.Arg59Gln; replaces arginine 59 with glutamine.
Molecular consequence: missense variant.
Genome position (GRCh38, 1-based): chr10:101,030,044, C>T on the plus strand (G>A on the coding strand, the complement: PDZD7 is on the minus strand). VCF-style: chr10-101030044-C-T. GRCh37 (hg19) VCF-style: chr10-102789801-C-T.
Other names: c.176G>A (NM_001195263.1); c.176G>A, p.Arg59Gln (NM_001351044.2, NM_024895.5); short protein forms R59Q.
Identifiers: ClinVar variation 1431026 (VCV001431026.6), dbSNP rs547919358, ClinGen allele CA5654493.

ClinVar aggregate classification (germline): Uncertain significance. Review status: criteria provided, multiple submitters, no conflicts (2 of 4 stars). 3 submissions from 3 submitters: Uncertain significance (3). Last evaluated 2024-09-05.

Allele frequency attached by ClinVar (database versions not stated): gnomAD 0.00001; gnomAD exomes 0.00001 and below 0.00001; TOPMed 0.00001; ExAC 0.00002.
gnomAD v4.1: 7 of 1,613,802 alleles (0.00043%); highest among the groups gnomAD compares: Admixed American, 0.0017%; no homozygotes.

Submissions (3):

GeneDx
Classification: Uncertain significance. Last evaluated: 2024-09-05. Review status: criteria provided, single submitter. Criteria: GeneDx Variant Classification Process June 2021. Collection method: clinical testing. Allele origin: germline. Affected: yes.
Comment: Not observed at significant frequency in large population cohorts (gnomAD); In silico analysis indicates that this missense variant does not alter protein structure/function; Has not been previously published as pathogenic or benign to our knowledge

Blueprint Genetics
Classification: Uncertain significance. Last evaluated: 2024-05-07. Review status: criteria provided, single submitter. Criteria: ACMG Guidelines, 2015. Collection method: clinical testing. Allele origin: germline.

Labcorp Genetics (formerly Invitae), Labcorp
Classification: Uncertain significance. Last evaluated: 2022-12-06. Review status: criteria provided, single submitter. Criteria: Invitae Variant Classification Sherloc (09022015). Collection method: clinical testing. Allele origin: germline.
Comment: Advanced modeling of protein sequence and biophysical properties (such as structural, functional, and spatial information, amino acid conservation, physicochemical variation, residue mobility, and thermodynamic stability) performed at Invitae indicates that this missense variant is not expected to disrupt PDZD7 protein function. In summary, the available evidence is currently insufficient to determine the role of this variant in disease. Therefore, it has been classified as a Variant of Uncertain Significance. ClinVar contains an entry for this variant (Variation ID: 1431026). This variant has not been reported in the literature in individuals affected with PDZD7-related conditions. This variant is present in population databases (rs547919358, gnomAD 0.007%). This sequence change replaces arginine, which is basic and polar, with glutamine, which is neutral and polar, at codon 59 of the PDZD7 protein (p.Arg59Gln).